The following is an entry in ClinVar:

ClinVar aggregate classification (germline): Uncertain significance. Review status: criteria provided, multiple submitters, no conflicts (2 of 4 stars). 5 submissions from 5 submitters: Uncertain significance (4). 1 of the submissions does not count toward it. Last evaluated 2025-01-06.

Conditions:
Walker-Warburg congenital muscular dystrophy. Also called: Muscular dystrophy-dystroglycanopathy, type A; Walker-Warburg syndrome. Identifiers: Orphanet 899, MedGen C0265221, MONDO:0000171.
Cardiovascular phenotype. Identifiers: MedGen CN230736.
Autosomal recessive limb-girdle muscular dystrophy type 2I. Also called: MUSCULAR DYSTROPHY, LIMB-GIRDLE, TYPE 2I; MUSCULAR DYSTROPHY-DYSTROGLYCANOPATHY (LIMB-GIRDLE), TYPE C, 5; MUSCULAR DYSTROPHY-DYSTROGLYCANOPATHY, LIMB-GIRDLE, FRKP-RELATED. Identifiers: Orphanet 34515, MedGen C1846672, MONDO:0011787, OMIM 607155.

Allele frequency attached by ClinVar (database versions not stated): ExAC below 0.00001; gnomAD exomes below 0.00001; gnomAD 0.00001; TOPMed 0.00009.
gnomAD v4.1: 11 of 1,612,976 alleles (0.00068%); highest among the groups gnomAD compares: Admixed American, 0.0017%; no homozygotes.

Submissions (5):

Labcorp Genetics (formerly Invitae), Labcorp
Classification: Uncertain significance for Walker-Warburg congenital muscular dystrophy. Last evaluated: 2025-01-06. Review status: criteria provided, single submitter. Criteria: Invitae Variant Classification Sherloc (09022015). Collection method: clinical testing. Allele origin: germline.
Comment: This sequence change replaces alanine, which is neutral and non-polar, with valine, which is neutral and non-polar, at codon 397 of the FKRP protein (p.Ala397Val). The frequency data for this variant in the population databases is considered unreliable, as metrics indicate poor data quality at this position in the gnomAD database. This variant has not been reported in the literature in individuals affected with FKRP-related conditions. ClinVar contains an entry for this variant (Variation ID: 435192). Invitae Evidence Modeling of protein sequence and biophysical properties (such as structural, functional, and spatial information, amino acid conservation, physicochemical variation, residue mobility, and thermodynamic stability) indicates that this missense variant is expected to disrupt FKRP protein function with a positive predictive value of 95%. In summary, the available evidence is currently insufficient to determine the role of this variant in disease. Therefore, it has been classified as a Variant of Uncertain Significance.

Ambry Genetics
Classification: Uncertain significance for Cardiovascular phenotype. Last evaluated: 2024-12-14. Review status: criteria provided, single submitter. Criteria: Ambry Variant Classification Scheme 2023. Collection method: clinical testing. Allele origin: germline.
Comment: The p.A397V variant (also known as c.1190C>T), located in coding exon 1 of the FKRP gene, results from a C to T substitution at nucleotide position 1190. The alanine at codon 397 is replaced by valine, an amino acid with similar properties. This amino acid position is conserved. In addition, this alteration is predicted to be deleterious by in silico analysis. Based on the available evidence, the clinical significance of this variant remains unclear.

GeneDx
Classification: Uncertain significance. Last evaluated: 2019-05-10. Review status: criteria provided, single submitter. Criteria: GeneDx Variant Classification Process June 2021. Collection method: clinical testing. Allele origin: germline. Affected: yes.
Comment: Not observed[at a significant frequency in large population cohorts (Lek et al., 2016); In silico analysis, which includes protein predictors and evolutionary conservation, supports a deleterious effect; Has not been previously published as pathogenic or benign to our knowledge

Genetic Services Laboratory, University of Chicago
Classification: Uncertain significance. Last evaluated: 2016-09-24. Review status: criteria provided, single submitter. Criteria: ACMG Guidelines, 2015. Collection method: clinical testing. Allele origin: germline. Affected: no.

Natera, Inc.
Classification: Uncertain significance for Limb-girdle muscular dystrophy type 2I. Last evaluated: 2020-07-27. Review status: no assertion criteria provided. Collection method: clinical testing. Allele origin: germline. Not counted in ClinVar's aggregate classification.

NM_024301.5(FKRP):c.1190C>T (p.Ala397Val)

Gene: FKRP (fukutin related protein; plus strand). Cytogenetic location: 19q13.32.
Variant type: single nucleotide variant.
Coding change: c.1190C>T on transcript NM_024301.5 (MANE Select); coding-DNA position 1190, C replaced by T.
Protein change: p.Ala397Val; replaces alanine 397 with valine.
Molecular consequence: missense variant.
Genome position (GRCh38, 1-based): chr19:46,756,640, C>T. VCF-style: chr19-46756640-C-T. GRCh37 (hg19) VCF-style: chr19-47259897-C-T.
Other names: c.1190C>T, p.Ala397Val (NM_001039885.3); short protein forms A397V.
Identifiers: ClinVar variation 435192 (VCV000435192.14), dbSNP rs767570224, ClinGen allele CA9532272.
Genomic context (GRCh38, chr19:46,756,640, plus strand): 5'-AGCTGCGGGGGGCAGAGGCCGGCTCGGTGGTGGATGAGCGCGGCTTCGTATGGGAGAAGG[C>T]GGTCGAGGGCGACTTTTTCCGCGTGCAGTACAGCGAAAGCAACCACTTGCACGTGGACCT-3'
Protein context (NP_077277.1, residues 387-407): VDERGFVWEK[Ala397Val]VEGDFFRVQY